The following is an entry in ClinVar:

ClinVar aggregate classification (germline): Conflicting classifications of pathogenicity. Review status: criteria provided, conflicting classifications (1 of 4 stars). 11 submissions from 11 submitters: Uncertain significance (5); Likely benign (6). Last evaluated 2026-08-01.

Conditions:
Cardiovascular phenotype. Identifiers: MedGen CN230736.
TTN-related disorder. Also called: TTN-related disorders; TTN-related condition; TTN-related disease.
Dilated cardiomyopathy 1G (CMD1G). Identifiers: Orphanet 154, MedGen C1858763, MONDO:0011400, OMIM 604145.
Autosomal recessive limb-girdle muscular dystrophy type 2J (LGMDR10). Also called: Limb-girdle muscular dystrophy, type 2J; MUSCULAR DYSTROPHY, LIMB-GIRDLE, AUTOSOMAL RECESSIVE 10. Identifiers: Orphanet 140922, MedGen C1837342, MONDO:0012127, OMIM 608807.

Allele frequency attached by ClinVar (database versions not stated): ESP Exome Variant Server 0.00008; TOPMed 0.00018; 1000 Genomes Project 0.00040; 1000 Genomes Project 30x 0.00047.
gnomAD v4.1: 83 of 1,612,972 alleles (0.0051%); highest among the groups gnomAD compares: Admixed American, 0.045%; 1 homozygote.

Submissions (11):

CeGaT Center for Human Genetics Tuebingen
Classification: Likely benign. Last evaluated: 2026-08-01. Review status: criteria provided, single submitter. Criteria: CeGaT Center For Human Genetics Tuebingen Variant Classification Criteria Version 2. Collection method: clinical testing. Allele origin: germline. Affected: yes. Observed: 2 variant alleles.
Comment: TTN: BP4

PreventionGenetics, part of Exact Sciences
Classification: Likely benign for TTN-related condition. Last evaluated: 2025-05-07. Review status: criteria provided, single submitter. Criteria: ACMG Guidelines, 2015. Collection method: clinical testing. Allele origin: germline.
Comment: This variant is classified as likely benign based on ACMG/AMP sequence variant interpretation guidelines (Richards et al. 2015 PMID: 25741868, with internal and published modifications).

Molecular Diagnostic Laboratory for Inherited Cardiovascular Disease, Montreal Heart Institute
Classification: Likely benign. Last evaluated: 2025-04-09. Review status: criteria provided, single submitter. Criteria: ACMG Guidelines, 2015. Collection method: clinical testing. Allele origin: germline. Affected: no.

Revvity Omics, Revvity
Classification: Uncertain significance. Last evaluated: 2024-10-31. Review status: criteria provided, single submitter. Criteria: ACMG Guidelines, 2015. Collection method: clinical testing. Allele origin: germline.

Women's Health and Genetics/Laboratory Corporation of America, LabCorp
Classification: Uncertain significance. Last evaluated: 2024-10-20. Review status: criteria provided, single submitter. Criteria: LabCorp Variant Classification Summary - May 2015. Collection method: clinical testing. Allele origin: germline.

Mayo Clinic Laboratories, Mayo Clinic
Classification: Uncertain significance. Last evaluated: 2023-01-12. Review status: criteria provided, single submitter. Criteria: ACMG Guidelines, 2015. Collection method: clinical testing. Allele origin: germline. Observed: 1 variant allele.
Comment: BP4

Ambry Genetics
Classification: Likely benign for Cardiovascular phenotype. Last evaluated: 2020-06-25. Review status: criteria provided, single submitter. Criteria: Ambry Variant Classification Scheme 2023. Collection method: clinical testing. Allele origin: germline.

GeneDx
Classification: Likely benign. Last evaluated: 2020-01-08. Review status: criteria provided, single submitter. Criteria: GeneDx Variant Classification Process June 2021. Collection method: clinical testing. Allele origin: germline. Affected: yes.

Athena Diagnostics
Classification: Likely benign. Last evaluated: 2019-09-25. Review status: criteria provided, single submitter. Criteria: Athena Diagnostics Criteria. Collection method: clinical testing. Allele origin: unknown.

Eurofins Ntd Llc (ga)
Classification: Uncertain significance. Last evaluated: 2017-05-05. Review status: criteria provided, single submitter. Criteria: EGL Classification Definitions 2015. Collection method: clinical testing. Allele origin: germline. Observed: 2 variant alleles, 2 heterozygotes.

Labcorp Genetics (formerly Invitae), Labcorp
Classification: Uncertain significance for Dilated cardiomyopathy 1G; Autosomal recessive limb-girdle muscular dystrophy type 2J. Last evaluated: 2017-04-08. Review status: criteria provided, single submitter. Criteria: Invitae Variant Classification Sherloc (09022015). Collection method: clinical testing. Allele origin: germline.

NM_001267550.2(TTN):c.44210G>A (p.Arg14737His)

Gene: TTN (titin; minus strand). Cytogenetic location: 2q31.2.
Variant type: single nucleotide variant.
Coding change: c.44210G>A on transcript NM_001267550.2 (MANE Select); coding-DNA position 44210, G replaced by A.
Protein change: p.Arg14737His; replaces arginine 14737 with histidine.
Molecular consequence: missense variant.
Genome position (GRCh38, 1-based): chr2:178,630,312, C>T on the plus strand (G>A on the coding strand, the complement: TTN is on the minus strand). VCF-style: chr2-178630312-C-T. GRCh37 (hg19) VCF-style: chr2-179495039-C-T.
Other names: p.Arg12169His; c.39287G>A, p.Arg13096His (NM_001256850.1); c.17015G>A, p.Arg5672His (NM_003319.4); c.36506G>A, p.Arg12169His (NM_133378.4); c.17390G>A, p.Arg5797His (NM_133432.3); c.17591G>A, p.Arg5864His (NM_133437.4); short protein forms R14737H, R12169H, R5672H, R5797H, R13096H, R5864H.
Identifiers: ClinVar variation 467158 (VCV000467158.23), dbSNP rs373298007, ClinGen allele CA1995719.